The following is an entry in ClinVar:

NM_005120.3(MED12):c.5087C>T (p.Pro1696Leu)

Gene: MED12 (mediator complex subunit 12; plus strand). Cytogenetic location: Xq13.1.
Variant type: single nucleotide variant.
Coding change: c.5087C>T on transcript NM_005120.3 (MANE Select); coding-DNA position 5087, C replaced by T.
Protein change: p.Pro1696Leu; replaces proline 1696 with leucine.
Molecular consequence: missense variant.
Genome position (GRCh38, 1-based): chrX:71,136,342, C>T. VCF-style: chrX-71136342-C-T. GRCh37 (hg19) VCF-style: chrX-70356192-C-T.
Other names: short protein forms P1696L.
Identifiers: ClinVar variation 1025624 (VCV001025624.10), dbSNP rs1211195670, ClinGen allele CA413533783.

ClinVar aggregate classification (germline): Uncertain significance. Review status: criteria provided, multiple submitters, no conflicts (2 of 4 stars). 2 submissions from 2 submitters: Uncertain significance (2). Last evaluated 2024-09-12.

Conditions:
FG syndrome (FGS). Identifiers: MedGen C0220769, MONDO:0002010.

Allele frequency attached by ClinVar (database versions not stated): gnomAD exomes 0.00001.
gnomAD v4.1: 12 of 1,211,313 alleles (0.00099%); highest among the groups gnomAD compares: East Asian, 0.003%; no homozygotes.

Submissions (2):

Blueprint Genetics
Classification: Uncertain significance. Last evaluated: 2024-09-12. Review status: criteria provided, single submitter. Criteria: ACMG Guidelines, 2015. Collection method: clinical testing. Allele origin: germline.

Labcorp Genetics (formerly Invitae), Labcorp
Classification: Uncertain significance for FG syndrome. Last evaluated: 2020-03-24. Review status: criteria provided, single submitter. Criteria: Invitae Variant Classification Sherloc (09022015). Collection method: clinical testing. Allele origin: germline.
Comment: In summary, the available evidence is currently insufficient to determine the role of this variant in disease. Therefore, it has been classified as a Variant of Uncertain Significance. Algorithms developed to predict the effect of missense changes on protein structure and function output the following: SIFT: "Tolerated"; PolyPhen-2: "Benign"; Align-GVGD: "Class C0". The leucine amino acid residue is found in multiple mammalian species, suggesting that this missense change does not adversely affect protein function. These predictions have not been confirmed by published functional studies and their clinical significance is uncertain. This variant has not been reported in the literature in individuals with MED12-related conditions. This variant is not present in population databases (ExAC no frequency). This sequence change replaces proline with leucine at codon 1696 of the MED12 protein (p.Pro1696Leu). The proline residue is highly conserved and there is a moderate physicochemical difference between proline and leucine.